The following is an entry in ClinVar:

NM_033380.3(COL4A5):c.1766C>T (p.Pro589Leu)

Gene: COL4A5 (collagen type IV alpha 5 chain; plus strand). Cytogenetic location: Xq22.3.
Variant type: single nucleotide variant.
Coding change: c.1766C>T on transcript NM_033380.3 (MANE Select); coding-DNA position 1766, C replaced by T.
Protein change: p.Pro589Leu; replaces proline 589 with leucine.
Molecular consequence: missense variant.
Genome position (GRCh38, 1-based): chrX:108,597,555, C>T. VCF-style: chrX-108597555-C-T. GRCh37 (hg19) VCF-style: chrX-107840785-C-T.
Other names: c.1766C>T, p.Pro589Leu (NM_000495.5); c.1766C>T (NM_000495.4); short protein forms P589L.
Identifiers: ClinVar variation 1500833 (VCV001500833.13), dbSNP rs2066542878, ClinGen allele CA413845560.

ClinVar aggregate classification (germline): Uncertain significance. Review status: criteria provided, multiple submitters, no conflicts (2 of 4 stars). 3 submissions from 3 submitters: Uncertain significance (3). Last evaluated 2026-06-24.

Conditions:
COL4A5-related disorder. Also called: COL4A5-related condition.

Allele frequency attached by ClinVar (database versions not stated): TOPMed below 0.00001.
gnomAD v4.1: 17 of 1,208,245 alleles (0.0014%); highest among the groups gnomAD compares: East Asian, 0.003%; no homozygotes.

Submissions (3):

PreventionGenetics, part of Exact Sciences
Classification: Uncertain significance for COL4A5-related condition. Last evaluated: 2026-06-24. Review status: criteria provided, single submitter. Criteria: ACMG Guidelines, 2015. Collection method: clinical testing. Allele origin: germline.
Comment: The COL4A5 c.1766C>T variant is predicted to result in the amino acid substitution p.Pro589Leu. To our knowledge, this variant has not been reported in the literature or in a large population database (gnomAD), indicating this variant is rare. At this time, the clinical significance of this variant is uncertain due to the absence of conclusive functional and genetic evidence.

CeGaT Center for Human Genetics Tuebingen
Classification: Uncertain significance. Last evaluated: 2025-09-01. Review status: criteria provided, single submitter. Criteria: CeGaT Center For Human Genetics Tuebingen Variant Classification Criteria Version 2. Collection method: clinical testing. Allele origin: germline. Affected: yes. Observed: 1 variant allele.

Labcorp Genetics (formerly Invitae), Labcorp
Classification: Uncertain significance. Last evaluated: 2021-09-17. Review status: criteria provided, single submitter. Criteria: Invitae Variant Classification Sherloc (09022015). Collection method: clinical testing. Allele origin: germline.
Comment: This sequence change replaces proline with leucine at codon 589 of the COL4A5 protein (p.Pro589Leu). The proline residue is moderately conserved and there is a moderate physicochemical difference between proline and leucine. This variant is not present in population databases (ExAC no frequency). This variant has not been reported in the literature in individuals with COL4A5-related conditions. Algorithms developed to predict the effect of missense changes on protein structure and function are either unavailable or do not agree on the potential impact of this missense change (SIFT: "Tolerated"; PolyPhen-2: "Unavailable"; Align-GVGD: "Class C0"). In summary, the available evidence is currently insufficient to determine the role of this variant in disease. Therefore, it has been classified as a Variant of Uncertain Significance.